The following is an entry in ClinVar:

NM_153700.2(STRC):c.4804C>T (p.Arg1602Trp)

Gene: STRC (stereocilin; minus strand). Cytogenetic location: 15q15.3.
Variant type: single nucleotide variant.
Coding change: c.4804C>T on transcript NM_153700.2 (MANE Select); coding-DNA position 4804, C replaced by T.
Protein change: p.Arg1602Trp; replaces arginine 1602 with tryptophan.
Molecular consequence: missense variant.
Genome position (GRCh38, 1-based): chr15:43,600,912, G>A on the plus strand (C>T on the coding strand, the complement: STRC is on the minus strand). VCF-style: chr15-43600912-G-A. GRCh37 (hg19) VCF-style: chr15-43893110-G-A.
Other names: short protein forms R1602W.
Identifiers: ClinVar variation 1050020 (VCV001050020.2), dbSNP rs370775837, ClinGen allele CA7527892.

ClinVar aggregate classification (germline): Uncertain significance. Review status: criteria provided, single submitter (1 of 4 stars). 2 submissions from 2 submitters: Uncertain significance (1). 1 of the submissions does not count toward it. Last evaluated 2023-08-09.

Conditions:
STRC-related disorder. Also called: STRC-related condition.

Allele frequency attached by ClinVar (database versions not stated): TOPMed 0.00004; ESP Exome Variant Server 0.00008; ExAC 0.00003; gnomAD 0.00003.
gnomAD v4.1: 35 of 1,611,804 alleles (0.0022%); highest among the groups gnomAD compares: South Asian, 0.0033%; no homozygotes.

Submissions (2):

PreventionGenetics, part of Exact Sciences
Classification: Uncertain significance for STRC-related condition. Last evaluated: 2023-08-09. Review status: criteria provided, single submitter. Criteria: ACMG Guidelines, 2015. Collection method: clinical testing. Allele origin: germline.
Comment: The STRC c.4804C>T variant is predicted to result in the amino acid substitution p.Arg1602Trp. To our knowledge, this variant has not been reported in the literature. This variant is reported in 0.0082% of alleles in individuals of African descent in gnomAD. At this time, the clinical significance of this variant is uncertain due to the absence of conclusive functional and genetic evidence.

Department of Pathology and Laboratory Medicine, Sinai Health System
Classification: Uncertain significance. Review status: no assertion criteria provided. Collection method: clinical testing. Allele origin: unknown. Affected: yes. Study: The Canadian Open Genetics Repository (COGR). Not counted in ClinVar's aggregate classification.
Comment: The STRC p.Arg1602Trp variant was not identified in the literature nor was it identified in ClinVar or Cosmic. The variant was identified in dbSNP (ID: rs370775837), LOVD 3.0 and in control databases in 7 of 281728 chromosomes at a frequency of 0.000025 (Genome Aggregation Database Feb 27, 2017). The variant was observed in the following populations: African in 2 of 24316 chromosomes (freq: 0.000082), South Asian in 2 of 30612 chromosomes (freq: 0.000065), East Asian in 1 of 19910 chromosomes (freq: 0.00005), Latino in 1 of 35432 chromosomes (freq: 0.000028) and European (non-Finnish) in 1 of 128792 chromosomes (freq: 0.000008); it was not observed in the Ashkenazi Jewish, European (Finnish), and Other populations. The p.Arg1602 residue is not conserved in mammals and computational analyses (PolyPhen-2, SIFT, AlignGVGD, BLOSUM, MutationTaster) provide inconsistent predictions regarding the impact to the protein; this information is not very predictive of pathogenicity. The variant occurs outside of the splicing consensus sequence and in silico or computational prediction software programs (SpliceSiteFinder, MaxEntScan, NNSPLICE, GeneSplicer) do not predict a difference in splicing. In summary, based on the above information the clinical significance of this variant cannot be determined with certainty at this time. This variant is classified as a variant of uncertain significance.